The following is an entry in ClinVar:

NM_003105.6(SORL1):c.3671G>A (p.Cys1224Tyr)

Gene: SORL1 (sortilin related receptor 1; plus strand). Cytogenetic location: 11q24.1.
Variant type: single nucleotide variant.
Coding change: c.3671G>A on transcript NM_003105.6 (MANE Select); coding-DNA position 3671, G replaced by A.
Protein change: p.Cys1224Tyr; replaces cysteine 1224 with tyrosine.
Molecular consequence: missense variant.
Genome position (GRCh38, 1-based): chr11:121,583,548, G>A. VCF-style: chr11-121583548-G-A. GRCh37 (hg19) VCF-style: chr11-121454257-G-A.
Other names: short protein forms C1224Y.
Identifiers: ClinVar variation 3645965 (VCV003645965.2).
Genomic context (GRCh38, chr11:121,583,548, plus strand): 5'-TCCAGTGCCGAAACGGGCACTGCATCCCCCAGCGGTGGGCGTGTGACGGGGATACGGACT[G>A]CCAGGATGGTTCCGATGAGGATCCAGTCAACTGTGGTAAATGCAAATTCCCCAGCTCCCT-3'
Protein context (NP_003096.2, residues 1214-1234): QRWACDGDTD[Cys1224Tyr]QDGSDEDPVN

ClinVar aggregate classification (germline): Uncertain significance (1 of 4 stars; one submission).

Submission:

Labcorp Genetics (formerly Invitae), Labcorp
Classification: Uncertain significance. Last evaluated: 2024-03-14. Review status: criteria provided, single submitter. Criteria: Invitae Variant Classification Sherloc (09022015). Collection method: clinical testing. Allele origin: germline.
Comment: This sequence change replaces cysteine, which is neutral and slightly polar, with tyrosine, which is neutral and polar, at codon 1224 of the SORL1 protein (p.Cys1224Tyr). This variant is not present in population databases (gnomAD no frequency). This missense change has been observed in individual(s) with Alzheimer disease (Invitae). An algorithm developed to predict the effect of missense changes on protein structure and function (PolyPhen-2) suggests that this variant is likely to be disruptive. In summary, the available evidence is currently insufficient to determine the role of this variant in disease. Therefore, it has been classified as a Variant of Uncertain Significance.